The following is an entry in ClinVar:

NM_000535.7(PMS2):c.1779G>A (p.Lys593=)

Gene: PMS2 (PMS1 homolog 2, mismatch repair system component; minus strand). Cytogenetic location: 7p22.1.
Variant type: single nucleotide variant.
Coding change: c.1779G>A on transcript NM_000535.7 (MANE Select); coding-DNA position 1779, G replaced by A.
Protein change: p.Lys593=; no amino-acid change (lysine 593 retained).
Molecular consequence: synonymous variant. On other transcripts: non-coding transcript variant (1), intron variant (1).
Genome position (GRCh38, 1-based): chr7:5,986,986, C>T on the plus strand (G>A on the coding strand, the complement: PMS2 is on the minus strand). VCF-style: chr7-5986986-C-T. GRCh37 (hg19) VCF-style: chr7-6026617-C-T.
Other names: c.1374G>A, p.Lys458= (NM_001018040.1, NM_001322003.2, NM_001322004.2 and 17 more transcripts); c.1623G>A, p.Lys541= (NM_001322006.2, NM_001406870.1); c.1461G>A, p.Lys487= (NM_001322007.2, NM_001322008.2, NM_001406876.1 and 2 more transcripts); c.1218G>A, p.Lys406= (NM_001322010.2, NM_001406906.1, NM_001406907.1); c.846G>A, p.Lys282= (NM_001322011.2, NM_001322012.2); c.1206G>A, p.Lys402= (NM_001322013.2, NM_001406909.1); c.1779G>A, p.Lys593= (NM_001322014.2, NM_001406871.1, NM_001406872.1); c.1470G>A, p.Lys490= (NM_001322015.2, NM_001406875.1, NM_001406877.1 and 5 more transcripts); and 13 more.
Identifiers: ClinVar variation 2566070 (VCV002566070.3), dbSNP rs1583315597, ClinGen allele CA453745895.

ClinVar aggregate classification (germline): Benign/Likely benign. Review status: criteria provided, multiple submitters, no conflicts (2 of 4 stars). 2 submissions from 2 submitters: Benign (1); Likely benign (1). Last evaluated 2025-01-31.

Conditions:
Hereditary cancer-predisposing syndrome. Also called: Neoplastic Syndromes, Hereditary; Hereditary Cancer Syndrome; Hereditary neoplastic syndrome; Tumor predisposition. Identifiers: Orphanet 140162, MedGen C0027672, MeSH D009386, MONDO:0015356.
Lynch syndrome 4 (LYNCH4). Also called: Colorectal cancer, hereditary nonpolyposis, type 4; Hereditary non-polyposis colorectal cancer, type 4. Identifiers: Orphanet 144, MedGen C1838333, MONDO:0013699, OMIM 614337. Disease mechanism: loss of function.

Submissions (2):

Myriad Genetics, Inc.
Classification: Benign for Lynch syndrome 4. Last evaluated: 2025-01-31. Review status: criteria provided, single submitter. Criteria: Myriad Autosomal Dominant, Autosomal Recessive and X-Linked Classification Criteria (2023). Collection method: clinical testing. Allele origin: unknown.
Comment: This variant is considered benign. This variant is a silent/synonymous amino acid change and it is not expected to impact splicing.

Ambry Genetics
Classification: Likely benign for Hereditary cancer-predisposing syndrome. Last evaluated: 2023-03-29. Review status: criteria provided, single submitter. Criteria: Ambry Variant Classification Scheme 2023. Collection method: clinical testing. Allele origin: germline.